The following is an entry in ClinVar:

NM_032383.5(HPS3):c.1555_1595dup (p.Ala532_Leu533insPheThrPheSerValArgLeuIleCysTer)

Gene: HPS3 (HPS3 biogenesis of lysosomal organelles complex 2 subunit 1; plus strand). Cytogenetic location: 3q24.
Variant type: Duplication.
Coding change: c.1555_1595dup on transcript NM_032383.5 (MANE Select); coding-DNA positions 1555 to 1595, 41 bases duplicated.
Protein change: p.Ala532_Leu533insPheThrPheSerValArgLeuIleCysTer.
Molecular consequence: nonsense, inframe insertion.
Genome position (GRCh38, 1-based): chr3:149,157,395-149,157,435, 41 bases duplicated; duplicating any 41 consecutive bases within chr3:149,157,388-149,157,435 gives the same sequence; the c. name uses the placement nearest the transcript's 3' end. GRCh37 (hg19): chr3:148,875,182-148,875,222.
Other names: c.1060_1100dup, p.Ala367_Leu368insPheThrPheSerValArgLeuIleCysTer (NM_001308258.2); c.1555_1595dupATTCACCTTCTCAGTGAGGCTCATCTGTTAGTGCGAGCTGC (NM_032383.4).
Identifiers: ClinVar variation 1454818 (VCV001454818.13), dbSNP rs756611897, ClinGen allele CA2660127.

ClinVar aggregate classification (germline): Pathogenic/Likely pathogenic. Review status: criteria provided, multiple submitters, no conflicts (2 of 4 stars). 4 submissions from 4 submitters: Pathogenic (3); Likely pathogenic (1). Last evaluated 2025-08-12.

Conditions:
Hermansky-Pudlak syndrome 3 (HPS3). Identifiers: Orphanet 231512, Orphanet 79430, MedGen C3888001, MONDO:0013555, OMIM 614072.
Hermansky-Pudlak syndrome (HPS). Also called: ALBINISM WITH HEMORRHAGIC DIATHESIS AND PIGMENTED RETICULOENDOTHELIAL CELLS. Identifiers: Orphanet 79430, MedGen C0079504, MONDO:0019312.

Submissions (4):

Natera, Inc.
Classification: Pathogenic for Hermansky-Pudlak syndrome. Last evaluated: 2025-08-12. Review status: criteria provided, single submitter. Criteria: Natera Variant Classification Schema (03/2026). Collection method: clinical testing. Allele origin: germline.
Comment: The c.1555_1595dupATTCACCTTCTCAGTGAGGCTCATCTGTTAGTGCGAGCTGC variant in HPS3 is a frameshift variant predicted to shift the reading frame beginning at codon 533 and leads to a stop codon 10 codons downstream. This variant is expected to result in nonsense mediated decay, truncation, or a dysfunctional protein product. This variant is rare in the general population with a frequency below the threshold expected for the associated phenotype(s). This variant has been observed in one or more individuals affected with the associated recessive disease, as either homozygous or compound heterozygous with a second variant (PMID: 30791930). Given the available evidence, this variant is classified as Pathogenic.

Baylor Genetics
Classification: Likely pathogenic for Hermansky-Pudlak syndrome 3. Last evaluated: 2024-03-16. Review status: criteria provided, single submitter. Criteria: ACMG Guidelines, 2015. Collection method: clinical testing. Allele origin: unknown.

Labcorp Genetics (formerly Invitae), Labcorp
Classification: Pathogenic. Last evaluated: 2023-10-27. Review status: criteria provided, single submitter. Criteria: Invitae Variant Classification Sherloc (09022015). Collection method: clinical testing. Allele origin: germline.
Comment: This sequence change creates a premature translational stop signal (p.Leu533Phefs*10) in the HPS3 gene. It is expected to result in an absent or disrupted protein product. Loss-of-function variants in HPS3 are known to be pathogenic (PMID: 11590544). This variant is present in population databases (rs756611897, gnomAD 0.01%). This premature translational stop signal has been observed in individual(s) with clinical features of Hermansky-Pudlak syndrome (PMID: 30791930). ClinVar contains an entry for this variant (Variation ID: 1454818). For these reasons, this variant has been classified as Pathogenic.

Juno Genomics, Hangzhou Juno Genomics, Inc
Classification: Pathogenic for Hermansky-Pudlak syndrome 3. Review status: criteria provided, single submitter. Criteria: ACMG Guidelines, 2015. Collection method: clinical testing. Allele origin: germline. Affected: yes.
Comment: Absent from controls (or at extremely low frequency if recessive) in Genome Aggregation Database, Exome Sequencing Project, 1000 Genomes Project, or Exome Aggregation Consortium.;Null variant in a gene where loss of function (LOF) is a known mechanism of disease.;For recessive disorders, detected in trans with a pathogenic variant.

Literature cited by the submitters: PubMed 30791930 (cited by Natera, Inc. and Labcorp Genetics (formerly Invitae), Labcorp); PubMed 11590544 (cited by Labcorp Genetics (formerly Invitae), Labcorp).